The following is an entry in ClinVar:

ClinVar aggregate classification (germline): Uncertain significance. Review status: criteria provided, multiple submitters, no conflicts (2 of 4 stars). 3 submissions from 3 submitters: Uncertain significance (3). Last evaluated 2024-04-22.

Conditions:
Deficiency of adenosine deaminase 2. Also called: Polyarteritis nodosa, childhoood-onset; Adenosine Deaminase 2 Deficiency; VASCULITIS, AUTOINFLAMMATION, IMMUNODEFICIENCY, AND HEMATOLOGIC DEFECTS SYNDROME. Identifiers: Orphanet 404553, MedGen C3887654, MONDO:0014306, OMIM 615688, MONDO:0100317.
Sneddon syndrome (SNDNS). Also called: Idiopathic livedo reticularis with systemic involvement; LIVEDO RETICULARIS AND CEREBROVASCULAR ACCIDENTS. Identifiers: Orphanet 820, MedGen C0282492, MONDO:0008436, OMIM 182410.

Allele frequency attached by ClinVar (database versions not stated): ExAC 0.00001; gnomAD 0.00001 and 0.00002; gnomAD exomes 0.00002; TOPMed 0.00003; ESP Exome Variant Server 0.00008.
gnomAD v4.1: 8 of 1,613,846 alleles (0.0005%); highest among the groups gnomAD compares: Admixed American, 0.0083%; no homozygotes.

Submissions (3):

Fulgent Genetics
Classification: Uncertain significance for Sneddon syndrome; Deficiency of adenosine deaminase 2. Last evaluated: 2024-04-22. Review status: criteria provided, single submitter. Criteria: ACMG Guidelines, 2015. Collection method: clinical testing. Allele origin: germline.

Labcorp Genetics (formerly Invitae), Labcorp
Classification: Uncertain significance for Deficiency of adenosine deaminase 2. Last evaluated: 2023-04-23. Review status: criteria provided, single submitter. Criteria: Invitae Variant Classification Sherloc (09022015). Collection method: clinical testing. Allele origin: germline.
Comment: In summary, the available evidence is currently insufficient to determine the role of this variant in disease. Therefore, it has been classified as a Variant of Uncertain Significance. Advanced modeling of protein sequence and biophysical properties (such as structural, functional, and spatial information, amino acid conservation, physicochemical variation, residue mobility, and thermodynamic stability) performed at Invitae indicates that this missense variant is not expected to disrupt ADA2 protein function. ClinVar contains an entry for this variant (Variation ID: 953994). This variant has not been reported in the literature in individuals affected with ADA2-related conditions. This variant is present in population databases (rs370709874, gnomAD 0.01%). This sequence change replaces glutamine, which is neutral and polar, with glutamic acid, which is acidic and polar, at codon 97 of the ADA2 protein (p.Gln97Glu).

Servicio Canario de Salud, Hospital Universitario Nuestra Sra. de Candelaria
Classification: Uncertain significance for Deficiency of adenosine deaminase 2. Last evaluated: 2022-12-08. Review status: criteria provided, single submitter. Criteria: ACMG Guidelines, 2015. Collection method: clinical testing. Allele origin: germline. Inheritance: Autosomal recessive inheritance. Affected: yes. Observed: 1 heterozygote.
Comment: This variant is present in population databases (gnomAD allele frequency 0.00001989). ClinVar contains an entry for this variant (Variation ID: 953994). In silico analysis (CADD, PolyPhen-2, Mutation Taster and SIFT/Provean) supports that this missense variant has a bening effect on protein structure/function , but this prediction has not been confirmed by functional studies. In summary, the available evidence for c.289C>G (p.Gln97Glu) ADA2 variant is currently insufficient to determine the role of this variant in disease. Therefore, it has been classified as a Variant of Uncertain Significance.

NM_001282225.2(ADA2):c.289C>G (p.Gln97Glu)

Gene: ADA2 (adenosine deaminase 2; minus strand). Cytogenetic location: 22q11.1.
Variant type: single nucleotide variant.
Coding change: c.289C>G on transcript NM_001282225.2 (MANE Select); coding-DNA position 289, C replaced by G.
Protein change: p.Gln97Glu; replaces glutamine 97 with glutamic acid.
Molecular consequence: missense variant. On other transcripts: intron variant (1).
Genome position (GRCh38, 1-based): chr22:17,209,389, G>C on the plus strand (C>G on the coding strand, the complement: ADA2 is on the minus strand). VCF-style: chr22-17209389-G-C. GRCh37 (hg19) VCF-style: chr22-17690279-G-C.
Other names: c.289C>G, p.Gln97Glu (NM_001282226.2); c.163C>G, p.Gln55Glu (NM_001282227.2, NM_001282228.2); c.-38-2099C>G (NM_001282229.2); short protein forms Q97E, Q55E.
Identifiers: ClinVar variation 953994 (VCV000953994.14), dbSNP rs370709874, ClinGen allele CA10088286.
Genomic context (GRCh38, chr22:17,209,389, plus strand): 5'-CCCAAGCCACCCCTTTCCAAACCTTACCTTTTGGCATCATCCTTAGAATATTAAACACTT[G>C]ACTTCTCTCAATGAGATGCTTGGCCTGGAAAAAGTGCATGCTGGGTGGGAATATCAGGGT-3'
Protein context (NP_001269154.1, residues 87-107): FQAKHLIERS[Gln97Glu]VFNILRMMPK